The following is an entry in ClinVar:

NM_001382637.1(OTUD7A):c.1476T>C (p.Ser492=)

Gene: OTUD7A (OTU deubiquitinase 7A; minus strand). Cytogenetic location: 15q13.3.
Variant type: single nucleotide variant.
Coding change: c.1476T>C on transcript NM_001382637.1 (MANE Select); coding-DNA position 1476, T replaced by C.
Protein change: p.Ser492=; no amino-acid change (serine 492 retained).
Molecular consequence: synonymous variant.
Genome position (GRCh38, 1-based): chr15:31,484,620, A>G on the plus strand (T>C on the coding strand, the complement: OTUD7A is on the minus strand). VCF-style: chr15-31484620-A-G. GRCh37 (hg19) VCF-style: chr15-31776823-A-G.
Other names: c.1455T>C, p.Ser485= (NM_130901.3).
Identifiers: ClinVar variation 5039543 (VCV005039543.1).

ClinVar aggregate classification (germline): Likely benign (1 of 4 stars; one submission).

gnomAD v4.1: 1 of 1,601,000 alleles (0.000062%); highest among the groups gnomAD compares: Non-Finnish European, 0.000085%; no homozygotes.

Submission:

CeGaT Center for Human Genetics Tuebingen
Classification: Likely benign. Last evaluated: 2026-08-01. Review status: criteria provided, single submitter. Criteria: CeGaT Center For Human Genetics Tuebingen Variant Classification Criteria Version 2. Collection method: clinical testing. Allele origin: germline. Affected: yes. Observed: 1 variant allele.
Comment: OTUD7A: BP4, BP7